The following is an entry in ClinVar:

NM_205850.3(SLC24A5):c.1432C>A (p.Leu478Ile)

Genes: MYEF2 (myelin expression factor 2; minus strand), SLC24A5 (solute carrier family 24 member 5; plus strand). Cytogenetic location: 15q21.1.
Variant type: single nucleotide variant.
Coding change: c.1432C>A on transcript NM_205850.3 (MANE Select); coding-DNA position 1432, C replaced by A.
Protein change: p.Leu478Ile; replaces leucine 478 with isoleucine.
Molecular consequence: missense variant. On other transcripts: 3 prime UTR variant (2).
Genome position (GRCh38, 1-based): chr15:48,142,280, C>A. VCF-style: chr15-48142280-C-A. GRCh37 (hg19) VCF-style: chr15-48434477-C-A.
Other names: c.*628G>T (NM_001301210.2, NM_016132.5); short protein forms L478I.
Identifiers: ClinVar variation 1977822 (VCV001977822.3), dbSNP rs144839248, ClinGen allele CA7546133.

ClinVar aggregate classification (germline): Uncertain significance (1 of 4 stars; one submission).

Allele frequency attached by ClinVar (database versions not stated): TOPMed below 0.00001; gnomAD 0.00001; ESP Exome Variant Server 0.00008.
gnomAD v4.1: 1 of 1,613,280 alleles (0.000062%); highest among the groups gnomAD compares: African/African-American, 0.0013%; no homozygotes.

Submission:

Labcorp Genetics (formerly Invitae), Labcorp
Classification: Uncertain significance. Last evaluated: 2021-12-28. Review status: criteria provided, single submitter. Criteria: Invitae Variant Classification Sherloc (09022015). Collection method: clinical testing. Allele origin: germline.
Comment: This variant has not been reported in the literature in individuals affected with SLC24A5-related conditions. The frequency data for this variant in the population databases is considered unreliable, as metrics indicate poor data quality at this position in the gnomAD database. This sequence change replaces leucine, which is neutral and non-polar, with isoleucine, which is neutral and non-polar, at codon 478 of the SLC24A5 protein (p.Leu478Ile). In summary, the available evidence is currently insufficient to determine the role of this variant in disease. Therefore, it has been classified as a Variant of Uncertain Significance. Algorithms developed to predict the effect of missense changes on protein structure and function output the following: SIFT: "Tolerated"; PolyPhen-2: "Benign"; Align-GVGD: "Class C0". The isoleucine amino acid residue is found in multiple mammalian species, which suggests that this missense change does not adversely affect protein function.